The following is an entry in ClinVar:

NM_001374828.1(ARID1B):c.1619CGG[3] (p.Ala543del)

Gene: ARID1B (AT-rich interaction domain 1B; plus strand). Cytogenetic location: 6q25.3.
Variant type: Microsatellite.
Coding change: c.1619CGG[3] on transcript NM_001374828.1 (MANE Select); three copies in a row of the 3-base unit CGG starting at c.1619; the reference has four copies in a row; one copy, 3 bases deleted.
Protein change: p.Ala543del; deletes alanine 543.
Molecular consequence: inframe deletion.
Genome position (GRCh38, 1-based): chr6:156,779,308-156,779,310, CGG deleted; deleting any 3 consecutive bases within chr6:156,779,297-156,779,310 gives the same sequence; the position shown is the placement nearest the transcript's 3' end. VCF-style (leftmost placement, unchanged base first): chr6-156779296-AGGC-A. GRCh37 (hg19) VCF-style: chr6-157100430-AGGC-A.
Other names: c.1379_1381del (NM_020732.3); c.1379_1381delCGG (NM_020732.3); c.1619CGG[3], p.Ala543del (NM_001371656.1, NM_001374820.1, NM_017519.3); short protein forms A543del.
Identifiers: ClinVar variation 588198 (VCV000588198.10), dbSNP rs757953295, ClinGen allele CA4066772.
Genomic context (GRCh38, chr6:156,779,296, plus strand): 5'-GCTACCCCGAGTACAGCAGCCCCAGCGCGCCGCCGCCGCCGCCGTCGCAGCCCCAGTCCC[AGGC>A]GGCGGCGGCGGGGGCGGCGGCGGGCGGCCAGCAGGCGGCCGCGGGCATGGGCTTGGGCAA-3'

ClinVar aggregate classification (germline): Benign/Likely benign. Review status: criteria provided, multiple submitters, no conflicts (2 of 4 stars). 4 submissions from 4 submitters: Benign (1); Likely benign (1). 2 of the submissions do not count toward it. Last evaluated 2020-02-06.

Conditions:
Inborn genetic diseases. Identifiers: MedGen C0950123, MeSH D030342.
Intellectual disability. Also called: Intellectual developmental disorder; Intellectual functioning disability; intellectual disabilities. Identifiers: MedGen C3714756, MeSH D008607, MONDO:0001071, HP:0001249.
ARID1B-Related Disorder. Identifiers: MedGen CN381337.

Submissions (4):

GeneDx
Classification: Benign. Last evaluated: 2020-02-06. Review status: criteria provided, single submitter. Criteria: GeneDx Variant Classification Process June 2021. Collection method: clinical testing. Allele origin: germline. Affected: yes.

Ambry Genetics
Classification: Likely benign for Inborn genetic diseases. Last evaluated: 2018-07-23. Review status: criteria provided, single submitter. Criteria: Ambry Variant Classification Scheme 2023. Collection method: clinical testing. Allele origin: germline.

PreventionGenetics, part of Exact Sciences
Classification: Likely benign for ARID1B-related condition. Last evaluated: 2020-08-18. Review status: no assertion criteria provided. Collection method: clinical testing. Allele origin: germline. Not counted in ClinVar's aggregate classification.
Comment: This variant is classified as likely benign based on ACMG/AMP sequence variant interpretation guidelines (Richards et al. 2015 PMID: 25741868, with internal and published modifications).

Centre de Biologie Pathologie Génétique, Centre Hospitalier Universitaire de Lille
Classification: Likely benign for Intellectual disability. Last evaluated: 2019-01-01. Review status: no assertion criteria provided. Collection method: clinical testing. Allele origin: inherited. Affected: yes. Not counted in ClinVar's aggregate classification.